The following is an entry in ClinVar:

ClinVar aggregate classification (germline): Conflicting classifications of pathogenicity. Review status: criteria provided, conflicting classifications (1 of 4 stars). 3 submissions from 3 submitters: Uncertain significance (2); Likely benign (1). Last evaluated 2023-07-20.

Conditions:
Inborn genetic diseases. Identifiers: MedGen C0950123, MeSH D030342.
Spinocerebellar ataxia, autosomal recessive, with axonal neuropathy 2 (SCAN2). Also called: Ataxia-ocular apraxia-2; Ataxia with Oculomotor Apraxia; Ataxia with Oculomotor Apraxia Type 2; ATAXIA-OCULOMOTOR APRAXIA 2. Identifiers: Orphanet 64753, MedGen C1853761, MONDO:0018996, OMIM 606002.
Amyotrophic lateral sclerosis type 4 (ALS4). Also called: NEURONOPATHY, DISTAL HEREDITARY MOTOR, WITH PYRAMIDAL FEATURES; AMYOTROPHIC LATERAL SCLEROSIS 4, JUVENILE. Identifiers: Orphanet 357043, MedGen C1865409, MONDO:0011223, OMIM 602433.

Allele frequency attached by ClinVar (database versions not stated): gnomAD exomes below 0.00001 and 0.00001; ExAC 0.00001; gnomAD 0.00001; TOPMed 0.00001.
gnomAD v4.1: 20 of 1,614,056 alleles (0.0012%); highest among the groups gnomAD compares: Non-Finnish European, 0.0017%; no homozygotes.

Submissions (3):

Labcorp Genetics (formerly Invitae), Labcorp
Classification: Likely benign for Amyotrophic lateral sclerosis type 4; Spinocerebellar ataxia, autosomal recessive, with axonal neuropathy 2. Last evaluated: 2023-07-20. Review status: criteria provided, single submitter. Criteria: Invitae Variant Classification Sherloc (09022015). Collection method: clinical testing. Allele origin: germline.

Athena Diagnostics
Classification: Uncertain significance. Last evaluated: 2020-07-16. Review status: criteria provided, single submitter. Criteria: Athena Diagnostics Criteria. Collection method: clinical testing. Allele origin: unknown.

Ambry Genetics
Classification: Uncertain significance for Inborn genetic diseases. Last evaluated: 2020-01-27. Review status: criteria provided, single submitter. Criteria: Ambry Variant Classification Scheme 2023. Collection method: clinical testing. Allele origin: germline.
Comment: The p.A1478T variant (also known as c.4432G>A), located in coding exon 8 of the SETX gene, results from a G to A substitution at nucleotide position 4432. The alanine at codon 1478 is replaced by threonine, an amino acid with similar properties. This amino acid position is not well conserved in available vertebrate species. In addition, this alteration is predicted to be tolerated by in silico analysis. Since supporting evidence is limited at this time, the clinical significance of this alteration remains unclear.

NM_015046.7(SETX):c.4432G>A (p.Ala1478Thr)

Gene: SETX (senataxin; minus strand). Cytogenetic location: 9q34.13.
Variant type: single nucleotide variant.
Coding change: c.4432G>A on transcript NM_015046.7 (MANE Select); coding-DNA position 4432, G replaced by A.
Protein change: p.Ala1478Thr; replaces alanine 1478 with threonine.
Molecular consequence: missense variant.
Genome position (GRCh38, 1-based): chr9:132,327,166, C>T on the plus strand (G>A on the coding strand, the complement: SETX is on the minus strand). VCF-style: chr9-132327166-C-T. GRCh37 (hg19) VCF-style: chr9-135202553-C-T.
Other names: c.4432G>A, p.Ala1478Thr (NM_001351527.2, NM_001351528.2); short protein forms A1478T.
Identifiers: ClinVar variation 994758 (VCV000994758.8), dbSNP rs759545112, ClinGen allele CA5297203.